The following is an entry in ClinVar:

NM_006302.3(MOGS):c.1838G>A (p.Arg613Gln)

Gene: MOGS (mannosyl-oligosaccharide glucosidase; minus strand). Cytogenetic location: 2p13.1.
Variant type: single nucleotide variant.
Coding change: c.1838G>A on transcript NM_006302.3 (MANE Select); coding-DNA position 1838, G replaced by A.
Protein change: p.Arg613Gln; replaces arginine 613 with glutamine.
Molecular consequence: missense variant.
Genome position (GRCh38, 1-based): chr2:74,461,951, C>T on the plus strand (G>A on the coding strand, the complement: MOGS is on the minus strand). VCF-style: chr2-74461951-C-T. GRCh37 (hg19) VCF-style: chr2-74689078-C-T.
Other names: c.1520G>A, p.Arg507Gln (NM_001146158.2); c.1838G>A, p.Arg613Gln (LRG_1226t1); short protein forms R613Q, R507Q.
Identifiers: ClinVar variation 95358 (VCV000095358.52), dbSNP rs142032474, ClinGen allele CA148471.

ClinVar aggregate classification (germline): Benign/Likely benign. Review status: criteria provided, multiple submitters, no conflicts (2 of 4 stars). 11 submissions from 11 submitters: Benign (6); Likely benign (5). Last evaluated 2026-09-01.

Conditions:
MOGS-congenital disorder of glycosylation. Also called: CDG 2B; CDG IIb; MOGS-CDG; GLUCOSIDASE I DEFICIENCY. Identifiers: Orphanet 79330, MedGen C1853736, MONDO:0011629, OMIM 606056.

Allele frequency attached by ClinVar (database versions not stated): ExAC 0.00670; 1000 Genomes Project 30x 0.00328; 1000 Genomes Project 0.00339; TOPMed 0.00652; gnomAD exomes 0.00679 and 0.00870; ESP Exome Variant Server 0.00815; gnomAD 0.00628 and 0.00643.

Submissions (11):

CeGaT Center for Human Genetics Tuebingen
Classification: Likely benign. Last evaluated: 2026-09-01. Review status: criteria provided, single submitter. Criteria: CeGaT Center For Human Genetics Tuebingen Variant Classification Criteria Version 2. Collection method: clinical testing. Allele origin: germline. Affected: yes. Observed: 18 variant alleles.
Comment: MOGS: BP4, BS2

Women's Health and Genetics/Laboratory Corporation of America, LabCorp
Classification: Likely benign. Last evaluated: 2026-04-15. Review status: criteria provided, single submitter. Criteria: LabCorp Variant Classification Summary - May 2015. Collection method: clinical testing. Allele origin: germline.
Comment: Variant summary: MOGS c.1838G>A (p.Arg613Gln) results in a conservative amino acid change in the encoded protein sequence. Algorithms developed to predict the effect of missense changes on protein structure and function all suggest that this variant is likely to be tolerated. The variant allele was found at a frequency of 0.0068 in 249446 control chromosomes in the gnomAD database, including 8 homozygotes. The observed variant frequency exceeds the estimated maximal expected allele frequency for disease-causing variants in MOGS. To our knowledge, no occurrence of c.1838G>A in individuals affected with MOGS-related conditions and no experimental evidence demonstrating its impact on protein function have been reported. ClinVar contains an entry for this variant (Variation ID: 95358). Based on the evidence outlined above, the variant was classified as likely benign.

Labcorp Genetics (formerly Invitae), Labcorp
Classification: Benign for MOGS-congenital disorder of glycosylation. Last evaluated: 2026-02-01. Review status: criteria provided, single submitter. Criteria: Invitae Variant Classification Sherloc (09022015). Collection method: clinical testing. Allele origin: germline.

ARUP Laboratories, Molecular Genetics and Genomics, ARUP Laboratories
Classification: Benign for MOGS-congenital disorder of glycosylation. Last evaluated: 2024-11-06. Review status: criteria provided, single submitter. Criteria: ARUP Molecular Germline Variant Investigation Process 2024. Collection method: clinical testing. Allele origin: germline.

Mayo Clinic Laboratories, Mayo Clinic
Classification: Benign. Last evaluated: 2024-11-04. Review status: criteria provided, single submitter. Criteria: ACMG Guidelines, 2015. Collection method: clinical testing. Allele origin: germline. Observed: 1 variant allele.
Comment: BA1, BS2, BP4

Fulgent Genetics
Classification: Likely benign for MOGS-congenital disorder of glycosylation. Last evaluated: 2021-07-07. Review status: criteria provided, single submitter. Criteria: ACMG Guidelines, 2015. Collection method: clinical testing. Allele origin: unknown.

Center for Pediatric Genomic Medicine, Children's Mercy Hospital and Clinics
Classification: Likely benign. Last evaluated: 2017-03-17. Review status: criteria provided, single submitter. Criteria: ACMG Guidelines, 2015. Collection method: clinical testing. Allele origin: germline.

GeneDx
Classification: Benign. Last evaluated: 2016-02-18. Review status: criteria provided, single submitter. Criteria: GeneDx Variant Classification (06012015). Collection method: clinical testing. Allele origin: germline. Affected: yes.
Comment: This variant is considered likely benign or benign based on one or more of the following criteria: it is a conservative change, it occurs at a poorly conserved position in the protein, it is predicted to be benign by multiple in silico algorithms, and/or has population frequency not consistent with disease.

Genomic Diagnostic Laboratory, Division of Genomic Diagnostics, Children's Hospital of Philadelphia
Classification: Benign. Last evaluated: 2015-11-16. Review status: criteria provided, single submitter. Criteria: DGD Variant Analysis Guidelines. Collection method: clinical testing. Allele origin: unknown.

Eurofins Ntd Llc (ga)
Classification: Benign. Last evaluated: 2013-06-12. Review status: criteria provided, single submitter. Criteria: EGL Classification Definitions 2015. Collection method: clinical testing. Allele origin: germline. Observed: 1 variant allele, 1 heterozygote.

Breakthrough Genomics
Classification: Likely benign. Review status: criteria provided, single submitter. Criteria: ACMG Guidelines, 2015. Collection method: not provided. Allele origin: germline. Inheritance: Autosomal recessive inheritance. Affected: yes.